The following is an entry in ClinVar:

ClinVar aggregate classification (germline): Uncertain significance. Review status: criteria provided, multiple submitters, no conflicts (2 of 4 stars). 3 submissions from 3 submitters: Uncertain significance (3). Last evaluated 2022-10-26.

Conditions:
Inborn genetic diseases. Identifiers: MedGen C0950123, MeSH D030342.
RFT1-congenital disorder of glycosylation (CDG1N). Also called: CDG In; Congenital disorder of glycosylation type In; RFT1-CDG. Identifiers: Orphanet 244310, MedGen C2677590, MONDO:0012783, OMIM 612015.

Allele frequency attached by ClinVar (database versions not stated): ExAC 0.00002; gnomAD 0.00003 and 0.00004; gnomAD exomes 0.00005 and 0.00011; TOPMed 0.00008; ESP Exome Variant Server 0.00015; 1000 Genomes Project 0.00020; 1000 Genomes Project 30x 0.00047.
gnomAD v4.1: 158 of 1,614,168 alleles (0.0098%); highest among the groups gnomAD compares: Non-Finnish European, 0.013%; no homozygotes.

Submissions (3):

Ambry Genetics
Classification: Uncertain significance for Inborn genetic diseases. Last evaluated: 2022-10-26. Review status: criteria provided, single submitter. Criteria: Ambry Variant Classification Scheme 2023. Collection method: clinical testing. Allele origin: germline.

Labcorp Genetics (formerly Invitae), Labcorp
Classification: Uncertain significance for RFT1-congenital disorder of glycosylation. Last evaluated: 2022-06-13. Review status: criteria provided, single submitter. Criteria: Invitae Variant Classification Sherloc (09022015). Collection method: clinical testing. Allele origin: germline.
Comment: This sequence change replaces glycine, which is neutral and non-polar, with arginine, which is basic and polar, at codon 359 of the RFT1 protein (p.Gly359Arg). This variant is present in population databases (rs201876415, gnomAD 0.007%). This variant has not been reported in the literature in individuals affected with RFT1-related conditions. ClinVar contains an entry for this variant (Variation ID: 1330814). Algorithms developed to predict the effect of missense changes on protein structure and function are either unavailable or do not agree on the potential impact of this missense change (SIFT: "Tolerated"; PolyPhen-2: "Probably Damaging"; Align-GVGD: "Class C0"). Algorithms developed to predict the effect of sequence changes on RNA splicing suggest that this variant may create or strengthen a splice site. In summary, the available evidence is currently insufficient to determine the role of this variant in disease. Therefore, it has been classified as a Variant of Uncertain Significance.

ARUP Laboratories, Molecular Genetics and Genomics, ARUP Laboratories
Classification: Uncertain significance for RFT1-congenital disorder of glycosylation. Last evaluated: 2021-03-13. Review status: criteria provided, single submitter. Criteria: ARUP Molecular Germline Variant Investigation Process 2021. Collection method: clinical testing. Allele origin: germline.

NM_052859.4(RFT1):c.1075G>A (p.Gly359Arg)

Gene: RFT1 (RFT1 glycolipid translocator homolog; minus strand). Cytogenetic location: 3p21.1.
Variant type: single nucleotide variant.
Coding change: c.1075G>A on transcript NM_052859.4 (MANE Select); coding-DNA position 1075, G replaced by A.
Protein change: p.Gly359Arg; replaces glycine 359 with arginine.
Molecular consequence: missense variant.
Genome position (GRCh38, 1-based): chr3:53,103,980, C>T on the plus strand (G>A on the coding strand, the complement: RFT1 is on the minus strand). VCF-style: chr3-53103980-C-T. GRCh37 (hg19) VCF-style: chr3-53137996-C-T.
Other names: c.1075G>A (NM_052859.3); short protein forms G359R.
Identifiers: ClinVar variation 1330814 (VCV001330814.10), dbSNP rs201876415, ClinGen allele CA2451254.